The following is an entry in ClinVar:

ClinVar aggregate classification (germline): Uncertain significance. Review status: criteria provided, multiple submitters, no conflicts (2 of 4 stars). 2 submissions from 2 submitters: Uncertain significance (2). Last evaluated 2025-08-10.

Conditions:
PLXNA2-related disorder. Also called: PLXNA2-related condition.

Allele frequency attached by ClinVar (database versions not stated): gnomAD exomes 0.00001; TOPMed 0.00001.

Submissions (2):

PreventionGenetics, part of Exact Sciences
Classification: Uncertain significance for PLXNA2-related condition. Last evaluated: 2025-08-10. Review status: criteria provided, single submitter. Criteria: ACMG Guidelines, 2015. Collection method: clinical testing. Allele origin: germline.
Comment: The PLXNA2 c.1225A>G variant is predicted to result in the amino acid substitution p.Ile409Val. To our knowledge, this variant has not been reported in the literature. This variant is reported in 0.0058% of alleles in individuals of Latino descent in gnomAD. At this time, the clinical significance of this variant is uncertain due to the absence of conclusive functional and genetic evidence.

Labcorp Genetics (formerly Invitae), Labcorp
Classification: Uncertain significance. Last evaluated: 2023-07-17. Review status: criteria provided, single submitter. Criteria: Invitae Variant Classification Sherloc (09022015). Collection method: clinical testing. Allele origin: germline.
Comment: Advanced modeling of protein sequence and biophysical properties (such as structural, functional, and spatial information, amino acid conservation, physicochemical variation, residue mobility, and thermodynamic stability) performed at Invitae indicates that this missense variant is not expected to disrupt PLXNA2 protein function. This variant has not been reported in the literature in individuals affected with PLXNA2-related conditions. This variant is present in population databases (no rsID available, gnomAD 0.006%). This sequence change replaces isoleucine, which is neutral and non-polar, with valine, which is neutral and non-polar, at codon 409 of the PLXNA2 protein (p.Ile409Val). In summary, the available evidence is currently insufficient to determine the role of this variant in disease. Therefore, it has been classified as a Variant of Uncertain Significance.

NM_025179.4(PLXNA2):c.1225A>G (p.Ile409Val)

Gene: PLXNA2 (plexin A2; minus strand). Cytogenetic location: 1q32.2.
Variant type: single nucleotide variant.
Coding change: c.1225A>G on transcript NM_025179.4 (MANE Select); coding-DNA position 1225, A replaced by G.
Protein change: p.Ile409Val; replaces isoleucine 409 with valine.
Molecular consequence: missense variant.
Genome position (GRCh38, 1-based): chr1:208,210,426, T>C on the plus strand (A>G on the coding strand, the complement: PLXNA2 is on the minus strand). VCF-style: chr1-208210426-T-C. GRCh37 (hg19) VCF-style: chr1-208383771-T-C.
Other names: c.1225A>G (NM_025179.3); short protein forms I409V.
Identifiers: ClinVar variation 2777804 (VCV002777804.4), dbSNP rs1394319085, ClinGen allele CA344555622.
Genomic context (GRCh38, chr1:208,210,426, plus strand): 5'-TGCTGGTGGTGTACAGGGTCAGGCCCTCCACTGGAGTTGAGCCTCCCAGGGGCTGGTTGA[T>C]GTCCAGTCCACAGAAGTTATCATCGATGGGGACAGGCTGGAGGGAAGCGGAAGGAATTGG-3'
Protein context (NP_079455.3, residues 399-419): PIDDNFCGLD[Ile409Val]NQPLGGSTPV